The following is an entry in ClinVar:

ClinVar aggregate classification (germline): Pathogenic. Review status: criteria provided, multiple submitters, no conflicts (2 of 4 stars). 2 submissions from 2 submitters: Pathogenic (2). Last evaluated 2022-10-28.

Conditions:
Bethlem myopathy 1A. Also called: Bethlem Muscular Dystrophy; MYOPATHY, BENIGN CONGENITAL, WITH CONTRACTURES; Bethlem myopathy 1. Identifiers: Orphanet 610, MedGen CN029274, MONDO:0024530, OMIM 158810.

Submissions (2):

Labcorp Genetics (formerly Invitae), Labcorp
Classification: Pathogenic for Bethlem myopathy 1A. Last evaluated: 2022-10-28. Review status: criteria provided, single submitter. Criteria: Invitae Variant Classification Sherloc (09022015). Collection method: clinical testing. Allele origin: germline.
Comment: This variant is not present in population databases (gnomAD no frequency). Disruption of this splice site has been observed in individual(s) with autosomal dominant Type VI skeletal muscle collagenopathy (PMID: 18160674, 29406609, 34167565). ClinVar contains an entry for this variant (Variation ID: 286215). Algorithms developed to predict the effect of sequence changes on RNA splicing suggest that this variant may disrupt the consensus splice site. For these reasons, this variant has been classified as Pathogenic. This sequence change affects a donor splice site in intron 5 of the COL6A2 gene. It is expected to disrupt RNA splicing. Variants that disrupt the donor or acceptor splice site typically lead to a loss of protein function (PMID: 16199547), and loss-of-function variants in COL6A2 are known to be disease-causing for autosomal recessive COL6A2 conditions (PMID: 21280092, 20976770). However, certain variants affecting donor or acceptor splice sites in the triple helical domain of COL6A2 are expected to result in in-frame exon skipping and have been reported to cause autosomal dominant COL6A2-related conditions (PMID: 18366090).

Eurofins Ntd Llc (ga)
Classification: Pathogenic. Last evaluated: 2016-02-08. Review status: criteria provided, single submitter. Criteria: EGL Classification Definitions 2015. Collection method: clinical testing. Allele origin: germline. Observed: 1 variant allele, 1 heterozygote.

Literature cited by the submitters: PubMed 18160674 (cited by Labcorp Genetics (formerly Invitae), Labcorp); PubMed 29406609 (cited by Labcorp Genetics (formerly Invitae), Labcorp); PubMed 34167565 (cited by Labcorp Genetics (formerly Invitae), Labcorp); PubMed 16199547 (cited by Labcorp Genetics (formerly Invitae), Labcorp); PubMed 21280092 (cited by Labcorp Genetics (formerly Invitae), Labcorp); PubMed 20976770 (cited by Labcorp Genetics (formerly Invitae), Labcorp); PubMed 18366090 (cited by Labcorp Genetics (formerly Invitae), Labcorp).

NM_001849.4(COL6A2):c.801+1G>T

Gene: COL6A2 (collagen type VI alpha 2 chain; plus strand). Cytogenetic location: 21q22.3.
Variant type: single nucleotide variant.
Coding change: c.801+1G>T on transcript NM_001849.4 (MANE Select); the canonical splice donor site of the intron after coding-DNA position 801, G replaced by T.
Molecular consequence: splice donor variant.
Genome position (GRCh38, 1-based): chr21:46,114,074, G>T. VCF-style: chr21-46114074-G-T. GRCh37 (hg19) VCF-style: chr21-47533988-G-T.
Other names: c.801+1G>T (NM_058175.3, NM_058174.3).
Identifiers: ClinVar variation 286215 (VCV000286215.10), dbSNP rs794727715, ClinGen allele CA10605400.